The following is an entry in ClinVar:

ClinVar aggregate classification (germline): Uncertain significance. Review status: criteria provided, multiple submitters, no conflicts (2 of 4 stars). 2 submissions from 2 submitters: Uncertain significance (2). Last evaluated 2024-09-26.

Conditions:
CDKL5 disorder. Identifiers: MedGen CN296942, MONDO:0100039.

Submissions (2):

GeneDx
Classification: Uncertain significance. Last evaluated: 2024-09-26. Review status: criteria provided, single submitter. Criteria: GeneDx Variant Classification Process June 2021. Collection method: clinical testing. Allele origin: germline. Affected: yes.
Comment: Not observed at significant frequency in large population cohorts (gnomAD); In silico analysis indicates that this missense variant does not alter protein structure/function; Has not been previously published as pathogenic or benign to our knowledge

Centre for Population Genomics, CPG
Classification: Uncertain significance for CDKL5 disorder. Last evaluated: 2024-09-13. Review status: criteria provided, single submitter. Criteria: McKnight et al. (Hum Mutat. 2022). Collection method: curation. Allele origin: germline. Inheritance: X-linked inheritance.
Comment: This variant has been collected from RettBASE and curated to current modified ACMG/AMP criteria. Based on the classification scheme defined by the ClinGen Rett/Angelman-like Expert Panel for Rett/AS-like Disorders Specifications to the ACMG/AMP Variant Interpretation Guidelines VCEP 3.0, this variant is classified as a variant of uncertain significance. At least the following criteria are met: This variant is absent from gnomAD (PM2_Supporting).

NM_001323289.2(CDKL5):c.1741C>T (p.His581Tyr)

Gene: CDKL5 (cyclin dependent kinase like 5; plus strand). Cytogenetic location: Xp22.13.
Variant type: single nucleotide variant.
Coding change: c.1741C>T on transcript NM_001323289.2 (MANE Select); coding-DNA position 1741, C replaced by T.
Protein change: p.His581Tyr; replaces histidine 581 with tyrosine.
Molecular consequence: missense variant.
Genome position (GRCh38, 1-based): chrX:18,604,665, C>T. VCF-style: chrX-18604665-C-T. GRCh37 (hg19) VCF-style: chrX-18622785-C-T.
Other names: NM_003159.3:c.1741C>T; c.1741C>T, p.His581Tyr (NM_001037343.2, NM_003159.3); c.1741C>T (NM_003159.2); short protein forms H581Y.
Identifiers: ClinVar variation 3343994 (VCV003343994.2).
Genomic context (GRCh38, chrX:18,604,665, plus strand): 5'-ACAACCAGACATTCTAAGACGATGGAGGAATTGAAGCTGCCGGAGCACATGGACAGTAGC[C>T]ATTCCCATTCACTGTCTGCACCTCACGAATCTTTTTCTTATGGACTGGGCTACACCAGCC-3'
Protein context (NP_001310218.1, residues 571-591): LKLPEHMDSS[His581Tyr]SHSLSAPHES